The following is an entry in ClinVar:

NM_138420.4(AHNAK2):c.7411G>C (p.Val2471Leu)

Gene: AHNAK2 (AHNAK nucleoprotein 2; minus strand). Cytogenetic location: 14q32.33.
Variant type: single nucleotide variant.
Coding change: c.7411G>C on transcript NM_138420.4 (MANE Select); coding-DNA position 7411, G replaced by C.
Protein change: p.Val2471Leu; replaces valine 2471 with leucine.
Molecular consequence: missense variant.
Genome position (GRCh38, 1-based): chr14:104,948,040, C>G on the plus strand (G>C on the coding strand, the complement: AHNAK2 is on the minus strand). VCF-style: chr14-104948040-C-G. GRCh37 (hg19) VCF-style: chr14-105414377-C-G.
Other names: c.7111G>C, p.Val2371Leu (NM_001350929.2); short protein forms V2371L, V2471L.
Identifiers: ClinVar variation 1278994 (VCV001278994.2), dbSNP rs185496696, ClinGen allele CA7380603.

ClinVar aggregate classification (germline): Benign. Review status: criteria provided, multiple submitters, no conflicts (2 of 4 stars). 2 submissions from 2 submitters: Benign (2). Last evaluated 2019-01-09.

Allele frequency attached by ClinVar (database versions not stated): ESP Exome Variant Server 0.00926; 1000 Genomes Project 30x 0.01327; 1000 Genomes Project 0.01398; TOPMed 0.02333; gnomAD 0.02932 and 0.02994; ExAC 0.02988.
gnomAD v4.1: 54,663 of 1,609,906 alleles (3.4%); highest among the groups gnomAD compares: Non-Finnish European, 3.8%; 1,124 homozygotes.

Submissions (2):

GeneDx
Classification: Benign. Last evaluated: 2019-01-09. Review status: criteria provided, single submitter. Criteria: GeneDx Variant Classification Process June 2021. Collection method: clinical testing. Allele origin: germline. Affected: yes.
Comment: This variant is associated with the following publications: (PMID: 25363768)

Breakthrough Genomics
Classification: Benign. Review status: criteria provided, single submitter. Criteria: ACMG Guidelines, 2015. Collection method: not provided. Allele origin: germline. Inheritance: Unknown mechanism. Affected: yes.